The following is an entry in ClinVar:

ClinVar aggregate classification (germline): Uncertain significance. Review status: criteria provided, multiple submitters, no conflicts (2 of 4 stars). 4 submissions from 4 submitters: Uncertain significance (3). 1 of the submissions does not count toward it. Last evaluated 2026-05-21.

Conditions:
Retinal dystrophy. Also called: Inherited retinal dystrophy. Identifiers: Orphanet 71862, MedGen C0854723, MeSH D058499, MONDO:0019118, HP:0000556.
RP1-related disorder. Also called: RP1-related condition.

Allele frequency attached by ClinVar (database versions not stated): TOPMed 0.00006; gnomAD 0.00007 and 0.00008; gnomAD exomes 0.00012 and 0.00017; ESP Exome Variant Server 0.00023; ExAC 0.00024.
gnomAD v4.1: 192 of 1,614,058 alleles (0.012%); highest among the groups gnomAD compares: Non-Finnish European, 0.015%; no homozygotes.

Submissions (4):

PreventionGenetics, part of Exact Sciences
Classification: Uncertain significance for RP1-related condition. Last evaluated: 2026-05-21. Review status: criteria provided, single submitter. Criteria: ACMG Guidelines, 2015. Collection method: clinical testing. Allele origin: germline.
Comment: The RP1 c.160G>A variant is predicted to result in the amino acid substitution p.Val54Met. To our knowledge, this variant has not been reported in the literature. This variant is reported in 0.029% of alleles in individuals of European (Non-Finnish) descent in gnomAD. At this time, the clinical significance of this variant is uncertain due to the absence of conclusive functional and genetic evidence.

Labcorp Genetics (formerly Invitae), Labcorp
Classification: Uncertain significance. Last evaluated: 2025-10-14. Review status: criteria provided, single submitter. Criteria: Invitae Variant Classification Sherloc (09022015). Collection method: clinical testing. Allele origin: germline.
Comment: This sequence change replaces valine, which is neutral and non-polar, with methionine, which is neutral and non-polar, at codon 54 of the RP1 protein (p.Val54Met). This variant is present in population databases (rs148458501, gnomAD 0.03%). This variant has not been reported in the literature in individuals affected with RP1-related conditions. ClinVar contains an entry for this variant (Variation ID: 1008361). An algorithm developed to predict the effect of missense changes on protein structure and function (PolyPhen-2) suggests that this variant is likely to be disruptive. In summary, the available evidence is currently insufficient to determine the role of this variant in disease. Therefore, it has been classified as a Variant of Uncertain Significance.

Blueprint Genetics
Classification: Uncertain significance. Last evaluated: 2023-12-21. Review status: criteria provided, single submitter. Criteria: ACMG Guidelines, 2015. Collection method: clinical testing. Allele origin: germline.

Institute of Human Genetics, Univ. Regensburg, Univ. Regensburg
Classification: Uncertain significance for Retinal dystrophy. Last evaluated: 2022-01-01. Review status: no assertion criteria provided. Criteria: ACMG Guidelines, 2015. Collection method: clinical testing. Allele origin: germline. Affected: yes. Not counted in ClinVar's aggregate classification.

NM_006269.2(RP1):c.160G>A (p.Val54Met)

Gene: RP1 (RP1 axonemal microtubule associated; plus strand). Cytogenetic location: 8q12.1.
Variant type: single nucleotide variant.
Coding change: c.160G>A on transcript NM_006269.2 (MANE Select); coding-DNA position 160, G replaced by A.
Protein change: p.Val54Met; replaces valine 54 with methionine.
Molecular consequence: missense variant.
Genome position (GRCh38, 1-based): chr8:54,621,126, G>A. VCF-style: chr8-54621126-G-A. GRCh37 (hg19) VCF-style: chr8-55533686-G-A.
Other names: c.160G>A (NM_006269.1); c.160G>A, p.Val54Met (NM_001375654.1); short protein forms V54M.
Identifiers: ClinVar variation 1008361 (VCV001008361.11), dbSNP rs148458501, ClinGen allele CA4751094.